The following is an entry in ClinVar:

NM_001267550.2(TTN):c.39974-1G>A

Gene: TTN (titin; minus strand). Cytogenetic location: 2q31.2.
Variant type: single nucleotide variant.
Coding change: c.39974-1G>A on transcript NM_001267550.2 (MANE Select); the canonical splice acceptor site of the intron before coding-DNA position 39974, G replaced by A.
Molecular consequence: splice acceptor variant. On other transcripts: intron variant (5).
Genome position (GRCh38, 1-based): chr2:178,649,332, C>T on the plus strand (G>A on the coding strand, the complement: TTN is on the minus strand). VCF-style: chr2-178649332-C-T. GRCh37 (hg19) VCF-style: chr2-179514059-C-T.
Other names: c.13283-7015G>A (NM_003319.4); c.13859-7015G>A (NM_133437.4); c.13658-7015G>A (NM_133432.3); c.32593+485G>A (NM_133378.4); c.35374+485G>A (NM_001256850.1).
Identifiers: ClinVar variation 2201843 (VCV002201843.4), dbSNP rs879054303, ClinGen allele CA60966157.

ClinVar aggregate classification (germline): Likely pathogenic (1 of 4 stars; one submission).

Conditions:
Dilated cardiomyopathy 1G (CMD1G). Identifiers: Orphanet 154, MedGen C1858763, MONDO:0011400, OMIM 604145.
Autosomal recessive limb-girdle muscular dystrophy type 2J (LGMDR10). Also called: Limb-girdle muscular dystrophy, type 2J; MUSCULAR DYSTROPHY, LIMB-GIRDLE, AUTOSOMAL RECESSIVE 10. Identifiers: Orphanet 140922, MedGen C1837342, MONDO:0012127, OMIM 608807.

Allele frequency attached by ClinVar (database versions not stated): gnomAD exomes below 0.00001; gnomAD 0.00001; TOPMed 0.00001.
gnomAD v4.1: 3 of 1,445,316 alleles (0.00021%); highest among the groups gnomAD compares: Non-Finnish European, 0.00027%; no homozygotes.

Submission:

Labcorp Genetics (formerly Invitae), Labcorp
Classification: Likely pathogenic for Dilated cardiomyopathy 1G; Autosomal recessive limb-girdle muscular dystrophy type 2J. Last evaluated: 2025-12-03. Review status: criteria provided, single submitter. Criteria: Invitae Variant Classification Sherloc (09022015). Collection method: clinical testing. Allele origin: germline.
Comment: This sequence change affects an acceptor splice site in intron 212 of the TTN gene. It is expected to disrupt RNA splicing and likely results in a truncated or disrupted TTN protein. This variant is not present in population databases (gnomAD no frequency). This variant has not been observed in the literature in individuals with autosomal recessive TTN-related conditions. This variant has been reported in individual(s) with autosomal dominant dilated cardiomyopathy (internal data); however, the role of the variant in this condition is currently unclear. ClinVar contains an entry for this variant (Variation ID: 2201843). Algorithms developed to predict the effect of sequence changes on RNA splicing suggest that this variant may disrupt the consensus splice site. This variant is located in the I band of TTN (PMID: 25589632). Truncating variants in this region have been reported in individuals affected with autosomal recessive centronuclear myopathy (PMID: 23975875, internal data). Truncating variants in this region have also been identified in individuals affected with autosomal dominant dilated cardiomyopathy and/or cardio-related conditions (PMID: 27869827, 32964742, internal data). In summary, the currently available evidence indicates that the variant is pathogenic, but additional data are needed to prove that conclusively. Therefore, this variant has been classified as Likely Pathogenic.

Literature cited by the submitters: PubMed 25589632; PubMed 23975875; PubMed 27869827; PubMed 32964742.